The following is an entry in ClinVar:

ClinVar aggregate classification (germline): Likely benign. Review status: criteria provided, multiple submitters, no conflicts (2 of 4 stars). 2 submissions from 2 submitters: Likely benign (2). Last evaluated 2026-05-11.

Conditions:
Long chain 3-hydroxyacyl-CoA dehydrogenase deficiency. Also called: Deficiency of long-chain 3-hydroxyacyl-coenzyme A dehydrogenase; LCHAD Deficiency. Identifiers: Orphanet 5, MedGen C3711645, MONDO:0012173, OMIM 609016.
Mitochondrial trifunctional protein deficiency. Identifiers: Orphanet 746, MedGen C1969443, MONDO:0012172.
HADHA-related disorder. Also called: HADHA-related condition; HADHA-related disorders.

Allele frequency attached by ClinVar (database versions not stated): ExAC 0.00001.
gnomAD v4.1: 1 of 1,596,752 alleles (0.000063%); highest among the groups gnomAD compares: Admixed American, 0.0017%; no homozygotes.

Submissions (2):

PreventionGenetics, part of Exact Sciences
Classification: Likely benign for HADHA-related condition. Last evaluated: 2026-05-11. Review status: criteria provided, single submitter. Criteria: ACMG Guidelines, 2015. Collection method: clinical testing. Allele origin: germline.
Comment: This variant is classified as likely benign based on ACMG/AMP sequence variant interpretation guidelines (Richards et al. 2015 PMID: 25741868, with internal and published modifications).

Labcorp Genetics (formerly Invitae), Labcorp
Classification: Likely benign for Mitochondrial trifunctional protein deficiency; Long chain 3-hydroxyacyl-CoA dehydrogenase deficiency. Last evaluated: 2023-11-09. Review status: criteria provided, single submitter. Criteria: Invitae Variant Classification Sherloc (09022015). Collection method: clinical testing. Allele origin: germline.

NM_000182.5(HADHA):c.954C>A (p.Ala318=)

Gene: HADHA (hydroxyacyl-CoA dehydrogenase trifunctional multienzyme complex subunit alpha; minus strand). Cytogenetic location: 2p23.3.
Variant type: single nucleotide variant.
Coding change: c.954C>A on transcript NM_000182.5 (MANE Select); coding-DNA position 954, C replaced by A.
Protein change: p.Ala318=; no amino-acid change (alanine 318 retained).
Molecular consequence: synonymous variant.
Genome position (GRCh38, 1-based): chr2:26,212,591, G>T on the plus strand (C>A on the coding strand, the complement: HADHA is on the minus strand). VCF-style: chr2-26212591-G-T. GRCh37 (hg19) VCF-style: chr2-26435460-G-T.
Other names: c.954C>A (NM_000182.4).
Identifiers: ClinVar variation 2927894 (VCV002927894.4), dbSNP rs755595692, ClinGen allele CA1559732.
Genomic context (GRCh38, chr2:26,212,591, plus strand): 5'-TTTAACTGATAATAAAACATTGAAAGGAAATAAGTTTACCTGAGATTCACAGAGATAACC[G>T]GCATCACTCCCTTGCTCAATTCCAGTCTTTACCACCTAAAAAACATATAAAGCACTTGCT-3'
Protein context (NP_000173.2, residues 308-328): VKTGIEQGSD[Ala318=]GYLCESQKFG